The following is an entry in ClinVar:

NM_004304.5(ALK):c.4597C>G (p.Leu1533Val)

Gene: ALK (ALK receptor tyrosine kinase; minus strand). Cytogenetic location: 2p23.2.
Variant type: single nucleotide variant.
Coding change: c.4597C>G on transcript NM_004304.5 (MANE Select); coding-DNA position 4597, C replaced by G.
Protein change: p.Leu1533Val; replaces leucine 1533 with valine.
Molecular consequence: missense variant.
Genome position (GRCh38, 1-based): chr2:29,193,490, G>C on the plus strand (C>G on the coding strand, the complement: ALK is on the minus strand). VCF-style: chr2-29193490-G-C. GRCh37 (hg19) VCF-style: chr2-29416356-G-C.
Other names: c.1393C>G, p.Leu465Val (NM_001353765.2); short protein forms L1533V, L465V.
Identifiers: ClinVar variation 3285415 (VCV003285415.1).
Genomic context (GRCh38, chr2:29,193,490, plus strand): 5'-CCCCCGGAAGTCTCCCAGTTGCAACGTTAGGTGGGACAGTACAGCTTCCCTCCAGCCCCA[G>C]GTTACCCCTGTCGTGTGGCTCCTTCTTTGCTATAGGATTATTCTTTTTGGTGGGTTTCTC-3'
Protein context (NP_004295.2, residues 1523-1543): AKKEPHDRGN[Leu1533Val]GLEGSCTVPP

ClinVar aggregate classification (germline): Uncertain significance (1 of 4 stars; one submission).

Conditions:
Hereditary cancer-predisposing syndrome. Also called: Tumor predisposition; Hereditary Cancer Syndrome; Hereditary neoplastic syndrome; Neoplastic Syndromes, Hereditary. Identifiers: Orphanet 140162, MedGen C0027672, MeSH D009386, MONDO:0015356.

gnomAD v4.1: 2 of 1,614,152 alleles (0.00012%); highest among the groups gnomAD compares: Non-Finnish European, 0.00017%; no homozygotes.

Submission:

Ambry Genetics
Classification: Uncertain significance for Hereditary cancer-predisposing syndrome. Last evaluated: 2024-05-11. Review status: criteria provided, single submitter. Criteria: Ambry Variant Classification Scheme 2023. Collection method: clinical testing. Allele origin: germline.
Comment: The p.L1533V variant (also known as c.4597C>G), located in coding exon 29 of the ALK gene, results from a C to G substitution at nucleotide position 4597. The leucine at codon 1533 is replaced by valine, an amino acid with highly similar properties. This amino acid position is conserved. In addition, this alteration is predicted to be tolerated by in silico analysis. Based on the available evidence, the clinical significance of this variant remains unclear.